The following is an entry in ClinVar:

ClinVar aggregate classification (germline): Uncertain significance. Review status: criteria provided, multiple submitters, no conflicts (2 of 4 stars). 2 submissions from 2 submitters: Uncertain significance (2). Last evaluated 2025-02-11.

Conditions:
Dilated cardiomyopathy 1JJ (CMD1JJ). Identifiers: Orphanet 154, MedGen C3808935, MONDO:0014095, OMIM 615235.
Cardiovascular phenotype. Identifiers: MedGen CN230736.

Allele frequency attached by ClinVar (database versions not stated): TOPMed below 0.00001; gnomAD 0.00001.
gnomAD v4.1: 1 of 1,612,896 alleles (0.000062%); highest among the groups gnomAD compares: African/African-American, 0.0013%; no homozygotes.

Submissions (2):

Labcorp Genetics (formerly Invitae), Labcorp
Classification: Uncertain significance for Dilated cardiomyopathy 1JJ. Last evaluated: 2025-02-11. Review status: criteria provided, single submitter. Criteria: Invitae Variant Classification Sherloc (09022015). Collection method: clinical testing. Allele origin: germline.
Comment: This sequence change replaces serine, which is neutral and polar, with phenylalanine, which is neutral and non-polar, at codon 1276 of the LAMA4 protein (p.Ser1276Phe). This variant is present in population databases (no rsID available, gnomAD 0.01%). This variant has not been reported in the literature in individuals affected with LAMA4-related conditions. ClinVar contains an entry for this variant (Variation ID: 2625033). Invitae Evidence Modeling of protein sequence and biophysical properties (such as structural, functional, and spatial information, amino acid conservation, physicochemical variation, residue mobility, and thermodynamic stability) indicates that this missense variant is expected to disrupt LAMA4 protein function with a positive predictive value of 80%. In summary, the available evidence is currently insufficient to determine the role of this variant in disease. Therefore, it has been classified as a Variant of Uncertain Significance.

Ambry Genetics
Classification: Uncertain significance for Cardiovascular phenotype. Last evaluated: 2023-07-21. Review status: criteria provided, single submitter. Criteria: Ambry Variant Classification Scheme 2023. Collection method: clinical testing. Allele origin: germline.
Comment: The p.S1276F variant (also known as c.3827C>T), located in coding exon 28 of the LAMA4 gene, results from a C to T substitution at nucleotide position 3827. The serine at codon 1276 is replaced by phenylalanine, an amino acid with highly dissimilar properties. This amino acid position is conserved. In addition, this alteration is predicted to be deleterious by in silico analysis. Since supporting evidence is limited at this time, the clinical significance of this alteration remains unclear.

NM_001105206.3(LAMA4):c.3848C>T (p.Ser1283Phe)

Gene: LAMA4 (laminin subunit alpha 4; minus strand). Cytogenetic location: 6q21.
Variant type: single nucleotide variant.
Coding change: c.3848C>T on transcript NM_001105206.3 (MANE Select); coding-DNA position 3848, C replaced by T.
Protein change: p.Ser1283Phe; replaces serine 1283 with phenylalanine.
Molecular consequence: missense variant.
Genome position (GRCh38, 1-based): chr6:112,131,088, G>A on the plus strand (C>T on the coding strand, the complement: LAMA4 is on the minus strand). VCF-style: chr6-112131088-G-A. GRCh37 (hg19) VCF-style: chr6-112452290-G-A.
Other names: c.3827C>T, p.Ser1276Phe (NM_001105207.3, NM_002290.5); short protein forms S1283F, S1276F.
Identifiers: ClinVar variation 2625033 (VCV002625033.3), dbSNP rs1554329631, ClinGen allele CA365374337.
Genomic context (GRCh38, chr6:112,131,088, plus strand): 5'-ACTGACTGAACTTTGATTCCCTTTACATCCATGATGACAGTACCATTATCCAGTGAGATG[G>A]AGAACACGTCTGACTGAAATGCAAGCACAGGCATGTAAGTAGGGAGTCTAGGGATCCAAA-3'
Protein context (NP_001098676.2, residues 1273-1293): FYYASGSDVF[Ser1283Phe]ISLDNGTVIM